The following is an entry in ClinVar:

NM_000138.5(FBN1):c.3106C>A (p.Pro1036Thr)

Gene: FBN1 (fibrillin 1; minus strand). Cytogenetic location: 15q21.1.
Variant type: single nucleotide variant.
Coding change: c.3106C>A on transcript NM_000138.5 (MANE Select); coding-DNA position 3106, C replaced by A.
Protein change: p.Pro1036Thr; replaces proline 1036 with threonine.
Molecular consequence: missense variant.
Genome position (GRCh38, 1-based): chr15:48,488,470, G>T on the plus strand (C>A on the coding strand, the complement: FBN1 is on the minus strand). VCF-style: chr15-48488470-G-T. GRCh37 (hg19) VCF-style: chr15-48780667-G-T.
Other names: short protein forms P1036T.
Identifiers: ClinVar variation 1331790 (VCV001331790.3), dbSNP rs2141295301, ClinGen allele CA392328193.

ClinVar aggregate classification (germline): Uncertain significance (1 of 4 stars; one submission).

Conditions:
Familial thoracic aortic aneurysm and aortic dissection (TAAD). Also called: Thoracic aortic aneurysms and dissections. Identifiers: Orphanet 91387, MedGen C4707243, MONDO:0019625.

Submission:

Color Diagnostics, LLC DBA Color Health
Classification: Uncertain significance for Familial thoracic aortic aneurysm and aortic dissection. Last evaluated: 2024-03-06. Review status: criteria provided, single submitter. Criteria: ACMG Guidelines, 2015. Collection method: clinical testing. Allele origin: germline.
Comment: This missense variant replaces proline with threonine at codon 1036 of the FBN1 protein. Computational prediction suggests that this variant may not impact protein structure and function (internally defined REVEL score threshold <= 0.5, PMID: 27666373). To our knowledge, functional studies have not been reported for this variant. This variant has not been reported in individuals affected with cardiovascular disorders in the literature. This variant has not been identified in the general population by the Genome Aggregation Database (gnomAD). The available evidence is insufficient to determine the role of this variant in disease conclusively. Therefore, this variant is classified as a Variant of Uncertain Significance.